The following is an entry in ClinVar:

NM_206933.4(USH2A):c.6646A>C (p.Ile2216Leu)

Gene: USH2A (usherin; minus strand). Cytogenetic location: 1q41.
Variant type: single nucleotide variant.
Coding change: c.6646A>C on transcript NM_206933.4 (MANE Select); coding-DNA position 6646, A replaced by C.
Protein change: p.Ile2216Leu; replaces isoleucine 2216 with leucine.
Molecular consequence: missense variant.
Genome position (GRCh38, 1-based): chr1:215,998,898, T>G on the plus strand (A>C on the coding strand, the complement: USH2A is on the minus strand). VCF-style: chr1-215998898-T-G. GRCh37 (hg19) VCF-style: chr1-216172240-T-G.
Other names: short protein forms I2216L.
Identifiers: ClinVar variation 2418196 (VCV002418196.6), dbSNP rs755410757, ClinGen allele CA1395086.

ClinVar aggregate classification (germline): Uncertain significance (1 of 4 stars; one submission).

Allele frequency attached by ClinVar (database versions not stated): TOPMed below 0.00001; ExAC 0.00001.

Submission:

Labcorp Genetics (formerly Invitae), Labcorp
Classification: Uncertain significance. Last evaluated: 2022-11-15. Review status: criteria provided, single submitter. Criteria: Invitae Variant Classification Sherloc (09022015). Collection method: clinical testing. Allele origin: germline.
Comment: This sequence change replaces isoleucine, which is neutral and non-polar, with leucine, which is neutral and non-polar, at codon 2216 of the USH2A protein (p.Ile2216Leu). This variant is present in population databases (rs755410757, gnomAD 0.007%). This variant has not been reported in the literature in individuals affected with USH2A-related conditions. Advanced modeling of protein sequence and biophysical properties (such as structural, functional, and spatial information, amino acid conservation, physicochemical variation, residue mobility, and thermodynamic stability) performed at Invitae indicates that this missense variant is not expected to disrupt USH2A protein function. In summary, the available evidence is currently insufficient to determine the role of this variant in disease. Therefore, it has been classified as a Variant of Uncertain Significance.